The following is an entry in ClinVar:

ClinVar aggregate classification (germline): Uncertain significance. Review status: criteria provided, single submitter (1 of 4 stars). 2 submissions from 2 submitters: Uncertain significance (1). 1 of the submissions does not count toward it. Last evaluated 2025-02-28.

Conditions:
SALL1-related disorder. Also called: SALL1-related condition.

Allele frequency attached by ClinVar (database versions not stated): ExAC 0.00001; gnomAD 0.00003; TOPMed 0.00003.
gnomAD v4.1: 15 of 1,613,982 alleles (0.00093%); highest among the groups gnomAD compares: Non-Finnish European, 0.0012%; no homozygotes.

Submissions (2):

GeneDx
Classification: Uncertain significance. Last evaluated: 2025-02-28. Review status: criteria provided, single submitter. Criteria: GeneDx Variant Classification Process June 2021. Collection method: clinical testing. Allele origin: germline. Affected: yes.
Comment: In silico analysis supports that this missense variant has a deleterious effect on protein structure/function; Has not been previously published as pathogenic or benign to our knowledge

PreventionGenetics, part of Exact Sciences
Classification: Uncertain significance for SALL1-related condition. Last evaluated: 2023-11-27. Review status: no assertion criteria provided. Collection method: clinical testing. Allele origin: germline. Not counted in ClinVar's aggregate classification.
Comment: The SALL1 c.1610C>G variant is predicted to result in the amino acid substitution p.Pro537Arg. To our knowledge, this variant has not been reported in the literature. This variant is reported in 0.00088% of alleles in individuals of European (non-Finnish) descent in gnomAD. At this time, the clinical significance of this variant is uncertain due to the absence of conclusive functional and genetic evidence.

NM_002968.3(SALL1):c.1610C>G (p.Pro537Arg)

Gene: SALL1 (spalt like transcription factor 1; minus strand). Cytogenetic location: 16q12.1.
Variant type: single nucleotide variant.
Coding change: c.1610C>G on transcript NM_002968.3 (MANE Select); coding-DNA position 1610, C replaced by G.
Protein change: p.Pro537Arg; replaces proline 537 with arginine.
Molecular consequence: missense variant.
Genome position (GRCh38, 1-based): chr16:51,140,612, G>C on the plus strand (C>G on the coding strand, the complement: SALL1 is on the minus strand). VCF-style: chr16-51140612-G-C. GRCh37 (hg19) VCF-style: chr16-51174523-G-C.
Other names: c.1319C>G, p.Pro440Arg (NM_001127892.2); short protein forms P440R, P537R.
Identifiers: ClinVar variation 3031526 (VCV003031526.3), dbSNP rs753558782, ClinGen allele CA8053261.